The following is an entry in ClinVar:

NM_000140.5(FECH):c.1077G>A (p.Glu359=)

Gene: FECH (ferrochelatase; minus strand). Cytogenetic location: 18q21.31.
Variant type: single nucleotide variant.
Coding change: c.1077G>A on transcript NM_000140.5 (MANE Select); coding-DNA position 1077, G replaced by A.
Protein change: p.Glu359=; no amino-acid change (glutamic acid 359 retained).
Molecular consequence: synonymous variant.
Genome position (GRCh38, 1-based): chr18:57,554,260, C>T on the plus strand (G>A on the coding strand, the complement: FECH is on the minus strand). VCF-style: chr18-57554260-C-T. GRCh37 (hg19) VCF-style: chr18-55221492-C-T.
Other names: c.1077G>A (NM_000140.3); c.1095G>A, p.Glu365= (NM_001012515.4); c.978G>A, p.Glu326= (NM_001371094.1); c.861G>A, p.Glu287= (NM_001371095.1); c.1077G>A, p.Glu359= (NM_001374778.1).
Identifiers: ClinVar variation 2736733 (VCV002736733.5), dbSNP rs1223818578, ClinGen allele CA504012545.
Genomic context (GRCh38, chr18:57,554,260, plus strand): 5'-CAGAAAAAATTTCCTTTTAAAACAAGTCATGATGGGAAAAAGGCAGATGGGTGCATTTAC[C>T]TCCTTGGCTAAAACTTGAGAGTACTCGATGTCCAGCTCATACAGCGTTTCAATATGGTCA-3'
Protein context (NP_000131.2, residues 349-369): DIEYSQVLAK[Glu359=]CGVENIRRAE

ClinVar aggregate classification (germline): Pathogenic/Likely pathogenic. Review status: criteria provided, multiple submitters, no conflicts (2 of 4 stars). 3 submissions from 3 submitters: Pathogenic (1); Likely pathogenic (1). 1 of the submissions does not count toward it. Last evaluated 2025-02-09.

Conditions:
FECH-related disorders.
FECH-related disorder. Also called: FECH-related condition.

Allele frequency attached by ClinVar (database versions not stated): TOPMed below 0.00001; gnomAD 0.00001; gnomAD exomes 0.00001.
gnomAD v4.1: 17 of 1,614,066 alleles (0.0011%); highest among the groups gnomAD compares: Non-Finnish European, 0.0014%; no homozygotes.

Submissions (3):

Labcorp Genetics (formerly Invitae), Labcorp
Classification: Pathogenic. Last evaluated: 2025-02-09. Review status: criteria provided, single submitter. Criteria: Invitae Variant Classification Sherloc (09022015). Collection method: clinical testing. Allele origin: germline.
Comment: This sequence change affects codon 359 of the FECH mRNA. It is a 'silent' change, meaning that it does not change the encoded amino acid sequence of the FECH protein. RNA analysis indicates that this variant induces altered splicing and likely results in a shortened protein product. This variant is not present in population databases (gnomAD no frequency). This variant has been observed in individual(s) with erythropoietic protoporphyria (PMID: 10417624). ClinVar contains an entry for this variant (Variation ID: 2736733). Variants that disrupt the consensus splice site are a relatively common cause of aberrant splicing (PMID: 17576681, 9536098). Studies have shown that this variant results in skipping of exon 9 , but is expected to preserve the integrity of the reading-frame (PMID: 23364466). This variant disrupts a region of the FECH protein in which other variant(s) (p.Pro334Leu) have been determined to be pathogenic (PMID: 9585598, 12601550, 15286165, 17711525, 23364466). This suggests that this is a clinically significant region of the protein, and that variants that disrupt it are likely to be disease-causing. For these reasons, this variant has been classified as Pathogenic.

Blueprint Genetics
Classification: Likely pathogenic for FECH-related disorders. Last evaluated: 2021-05-07. Review status: criteria provided, single submitter. Criteria: ACMG Guidelines, 2015. Collection method: clinical testing. Allele origin: germline. Affected: yes. Observed: 2 variant alleles.

PreventionGenetics, part of Exact Sciences
Classification: Pathogenic for FECH-related condition. Last evaluated: 2024-09-27. Review status: no assertion criteria provided. Collection method: clinical testing. Allele origin: germline. Not counted in ClinVar's aggregate classification.
Comment: The FECH c.1077G>A variant is not predicted to result in an amino acid change (p.=). This variant has been reported in a few cases of erythropoietic protoporphyria and has been reported to result in exon skipping based on reverse transcriptase PCR studies (Wang et al 1999. PubMed ID: 10417624; Whatley et al. 2004. PubMed ID: 15286165; Balwani et al. 2013. PubMed ID: 23364466). This variant has not been reported in a large population database, indicating this variant is rare. This variant is interpreted as pathogenic.

Literature cited by the submitters: PubMed 10417624 (cited by Labcorp Genetics (formerly Invitae), Labcorp); PubMed 17576681 (cited by Labcorp Genetics (formerly Invitae), Labcorp); PubMed 9536098 (cited by Labcorp Genetics (formerly Invitae), Labcorp); PubMed 23364466 (cited by Labcorp Genetics (formerly Invitae), Labcorp); PubMed 9585598 (cited by Labcorp Genetics (formerly Invitae), Labcorp); PubMed 12601550 (cited by Labcorp Genetics (formerly Invitae), Labcorp); PubMed 15286165 (cited by Labcorp Genetics (formerly Invitae), Labcorp); PubMed 17711525 (cited by Labcorp Genetics (formerly Invitae), Labcorp).